The following is an entry in ClinVar:

ClinVar aggregate classification (germline): Pathogenic (1 of 4 stars; one submission).

Conditions:
Kabuki syndrome. Also called: NIIKAWA-KUROKI SYNDROME; Kabuki make-up syndrome. Identifiers: Orphanet 2322, MedGen C0796004, MONDO:0016512.

Submission:

Labcorp Genetics (formerly Invitae), Labcorp
Classification: Pathogenic for Kabuki syndrome. Last evaluated: 2021-08-27. Review status: criteria provided, single submitter. Criteria: Invitae Variant Classification Sherloc (09022015). Collection method: clinical testing. Allele origin: germline.
Comment: This variant has not been reported in the literature in individuals affected with KMT2D-related conditions. For these reasons, this variant has been classified as Pathogenic. This variant is not present in population databases (ExAC no frequency). This sequence change creates a premature translational stop signal (p.Val4139Phefs*28) in the KMT2D gene. It is expected to result in an absent or disrupted protein product. Loss-of-function variants in KMT2D are known to be pathogenic (PMID: 22126750).

Literature cited by the submitters: PubMed 22126750.

NM_003482.4(KMT2D):c.12415_12416del (p.Val4139fs)

Gene: KMT2D (lysine methyltransferase 2D; minus strand). Cytogenetic location: 12q13.12.
Variant type: Deletion.
Coding change: c.12415_12416del on transcript NM_003482.4 (MANE Select); coding-DNA positions 12415 to 12416, 2 bases deleted (GT; older notation c.12415_12416delGT).
Protein change: p.Val4139fs; shifts the reading frame from valine 4139.
Molecular consequence: frameshift variant.
Genome position (GRCh38, 1-based): chr12:49,032,289-49,032,290, AC deleted on the plus strand (GT on the coding strand, the reverse complement: KMT2D is on the minus strand); deleting any 2 consecutive bases within chr12:49,032,289-49,032,291 gives the same sequence; the c. name uses the placement nearest the transcript's 3' end. VCF-style (leftmost placement, unchanged base first): chr12-49032288-AAC-A. GRCh37 (hg19) VCF-style: chr12-49426071-AAC-A.
Other names: short protein forms V4139fs.
Identifiers: ClinVar variation 1384508 (VCV001384508.6), dbSNP rs2120430055, ClinGen allele CA2573148650.